The following is an entry in ClinVar:

ClinVar aggregate classification (germline): Uncertain significance (1 of 4 stars; one submission).

Conditions:
Lowe syndrome (OCRL). Also called: LOWE OCULOCEREBRORENAL SYNDROME; PHOSPHATIDYLINOSITOL 4,5-BISPHOSPHATE 5-PHOSPHATASE DEFICIENCY; Oculocerebrorenal Syndrome. Identifiers: Orphanet 534, MedGen C0028860, MONDO:0010645, OMIM 309000.

Allele frequency attached by ClinVar (database versions not stated): gnomAD exomes below 0.00001; ExAC 0.00002.
gnomAD v4.1: 2 of 1,211,329 alleles (0.00017%); no homozygotes.

Submission:

Labcorp Genetics (formerly Invitae), Labcorp
Classification: Uncertain significance for Lowe syndrome. Last evaluated: 2023-05-23. Review status: criteria provided, single submitter. Criteria: Invitae Variant Classification Sherloc (09022015). Collection method: clinical testing. Allele origin: germline.
Comment: In summary, the available evidence is currently insufficient to determine the role of this variant in disease. Therefore, it has been classified as a Variant of Uncertain Significance. Advanced modeling of protein sequence and biophysical properties (such as structural, functional, and spatial information, amino acid conservation, physicochemical variation, residue mobility, and thermodynamic stability) performed at Invitae indicates that this missense variant is not expected to disrupt OCRL protein function. This variant has not been reported in the literature in individuals affected with OCRL-related conditions. This variant is present in population databases (rs754471412, gnomAD 0.01%). This sequence change replaces glycine, which is neutral and non-polar, with valine, which is neutral and non-polar, at codon 221 of the OCRL protein (p.Gly221Val).

NM_000276.4(OCRL):c.662G>T (p.Gly221Val)

Gene: OCRL (OCRL inositol polyphosphate-5-phosphatase; plus strand). Cytogenetic location: Xq26.1.
Variant type: single nucleotide variant.
Coding change: c.662G>T on transcript NM_000276.4 (MANE Select); coding-DNA position 662, G replaced by T.
Protein change: p.Gly221Val; replaces glycine 221 with valine.
Molecular consequence: missense variant.
Genome position (GRCh38, 1-based): chrX:129,558,941, G>T. VCF-style: chrX-129558941-G-T. GRCh37 (hg19) VCF-style: chrX-128692918-G-T.
Other names: c.665G>T, p.Gly222Val (NM_001318784.2); c.662G>T, p.Gly221Val (NM_001587.4); short protein forms G221V, G222V.
Identifiers: ClinVar variation 2852520 (VCV002852520.3), dbSNP rs754471412, ClinGen allele CA10512066.